The following is an entry in ClinVar:

ClinVar aggregate classification (germline): Uncertain significance (1 of 4 stars; one submission).

Conditions:
Retinitis pigmentosa 1 (RP1). Identifiers: Orphanet 791, MedGen C0220701, MONDO:0008377, OMIM 180100.

Submission:

Institute of Human Genetics, University of Leipzig Medical Center
Classification: Uncertain significance for Retinitis pigmentosa 1. Last evaluated: 2023-07-04. Review status: criteria provided, single submitter. Criteria: ACMG Guidelines, 2015. Collection method: clinical testing. Allele origin: unknown. Inheritance: Autosomal recessive inheritance. Affected: yes.
Comment: Criteria applied: PM3,PM2_SUP,PP3,PP4

NM_000350.3(ABCA4):c.4353-8T>G

Gene: ABCA4 (ATP binding cassette subfamily A member 4; minus strand). Cytogenetic location: 1p22.1.
Variant type: single nucleotide variant.
Coding change: c.4353-8T>G on transcript NM_000350.3 (MANE Select); 8 bases into the intron before coding-DNA position 4353, T replaced by G.
Molecular consequence: intron variant.
Genome position (GRCh38, 1-based): chr1:94,029,639, A>C on the plus strand (T>G on the coding strand, the complement: ABCA4 is on the minus strand). VCF-style: chr1-94029639-A-C. GRCh37 (hg19) VCF-style: chr1-94495195-A-C.
Identifiers: ClinVar variation 2576560 (VCV002576560.2), dbSNP rs2523723747, ClinGen allele CA2580612930.